The following is an entry in ClinVar:

NM_001042517.2(DIAPH3):c.156G>T (p.Glu52Asp)

Gene: DIAPH3 (diaphanous related formin 3; minus strand). Cytogenetic location: 13q21.2.
Variant type: single nucleotide variant.
Coding change: c.156G>T on transcript NM_001042517.2 (MANE Select); coding-DNA position 156, G replaced by T.
Protein change: p.Glu52Asp; replaces glutamic acid 52 with aspartic acid.
Molecular consequence: missense variant.
Genome position (GRCh38, 1-based): chr13:60,163,611, C>A on the plus strand (G>T on the coding strand, the complement: DIAPH3 is on the minus strand). VCF-style: chr13-60163611-C-A. GRCh37 (hg19) VCF-style: chr13-60737745-C-A.
Other names: c.156G>T, p.Glu52Asp (NM_001258366.2, NM_001258367.2, NM_001258368.2 and 1 more transcripts); short protein forms E52D.
Identifiers: ClinVar variation 1178659 (VCV001178659.11), dbSNP rs202198529, ClinGen allele CA6997104.

ClinVar aggregate classification (germline): Conflicting classifications of pathogenicity. Review status: criteria provided, conflicting classifications (1 of 4 stars). 4 submissions from 4 submitters: Uncertain significance (2); Likely benign (2). Last evaluated 2025-11-26.

Conditions:
DIAPH3-related disorder. Also called: DIAPH3-related condition.

Allele frequency attached by ClinVar (database versions not stated): ExAC 0.00014; ESP Exome Variant Server 0.00017.
gnomAD v4.1: 182 of 1,602,564 alleles (0.011%); highest among the groups gnomAD compares: Middle Eastern, 0.017%; no homozygotes.

Submissions (4):

Ambry Genetics
Classification: Uncertain significance. Last evaluated: 2025-11-26. Review status: criteria provided, single submitter. Criteria: Ambry Variant Classification Scheme 2023. Collection method: clinical testing. Allele origin: germline.

Labcorp Genetics (formerly Invitae), Labcorp
Classification: Uncertain significance. Last evaluated: 2025-04-28. Review status: criteria provided, single submitter. Criteria: Invitae Variant Classification Sherloc (09022015). Collection method: clinical testing. Allele origin: germline.
Comment: This sequence change replaces glutamic acid, which is acidic and polar, with aspartic acid, which is acidic and polar, at codon 52 of the DIAPH3 protein (p.Glu52Asp). This variant is present in population databases (rs202198529, gnomAD 0.1%), and has an allele count higher than expected for a pathogenic variant. This variant has not been reported in the literature in individuals affected with DIAPH3-related conditions. ClinVar contains an entry for this variant (Variation ID: 1178659). An algorithm developed to predict the effect of missense changes on protein structure and function (PolyPhen-2) suggests that this variant is likely to be tolerated. In summary, the available evidence is currently insufficient to determine the role of this variant in disease. Therefore, it has been classified as a Variant of Uncertain Significance.

PreventionGenetics, part of Exact Sciences
Classification: Likely benign for DIAPH3-related condition. Last evaluated: 2025-03-12. Review status: criteria provided, single submitter. Criteria: ACMG Guidelines, 2015. Collection method: clinical testing. Allele origin: germline.
Comment: This variant is classified as likely benign based on ACMG/AMP sequence variant interpretation guidelines (Richards et al. 2015 PMID: 25741868, with internal and published modifications).

GeneDx
Classification: Likely benign. Last evaluated: 2020-08-10. Review status: criteria provided, single submitter. Criteria: GeneDx Variant Classification Process June 2021. Collection method: clinical testing. Allele origin: germline. Affected: yes.
Comment: In silico analysis supports that this missense variant does not alter protein structure/function; Has not been previously published as pathogenic or benign to our knowledge